The following is an entry in ClinVar:

ClinVar aggregate classification (germline): Uncertain significance. Review status: criteria provided, multiple submitters, no conflicts (2 of 4 stars). 2 submissions from 2 submitters: Uncertain significance (2). Last evaluated 2025-01-29.

Allele frequency attached by ClinVar (database versions not stated): TOPMed below 0.00001; gnomAD 0.00001; gnomAD exomes 0.00001; 1000 Genomes Project 30x 0.00016; 1000 Genomes Project 0.00020.
gnomAD v4.1: 13 of 1,606,898 alleles (0.00081%); highest among the groups gnomAD compares: Middle Eastern, 0.017%; no homozygotes.

Submissions (2):

Labcorp Genetics (formerly Invitae), Labcorp
Classification: Uncertain significance. Last evaluated: 2025-01-29. Review status: criteria provided, single submitter. Criteria: Invitae Variant Classification Sherloc (09022015). Collection method: clinical testing. Allele origin: germline.
Comment: This sequence change replaces proline, which is neutral and non-polar, with serine, which is neutral and polar, at codon 272 of the SLC25A21 protein (p.Pro272Ser). This variant is not present in population databases (gnomAD no frequency). This variant has not been reported in the literature in individuals affected with SLC25A21-related conditions. ClinVar contains an entry for this variant (Variation ID: 2221519). Invitae Evidence Modeling of protein sequence and biophysical properties (such as structural, functional, and spatial information, amino acid conservation, physicochemical variation, residue mobility, and thermodynamic stability) indicates that this missense variant is expected to disrupt SLC25A21 protein function with a positive predictive value of 80%. In summary, the available evidence is currently insufficient to determine the role of this variant in disease. Therefore, it has been classified as a Variant of Uncertain Significance.

Ambry Genetics
Classification: Uncertain significance. Last evaluated: 2021-06-23. Review status: criteria provided, single submitter. Criteria: Ambry Variant Classification Scheme 2023. Collection method: clinical testing. Allele origin: germline.

NM_030631.4(SLC25A21):c.814C>T (p.Pro272Ser)

Gene: SLC25A21 (solute carrier family 25 member 21; minus strand). Cytogenetic location: 14q13.3.
Variant type: single nucleotide variant.
Coding change: c.814C>T on transcript NM_030631.4 (MANE Select); coding-DNA position 814, C replaced by T.
Protein change: p.Pro272Ser; replaces proline 272 with serine.
Molecular consequence: missense variant.
Genome position (GRCh38, 1-based): chr14:36,683,852, G>A on the plus strand (C>T on the coding strand, the complement: SLC25A21 is on the minus strand). VCF-style: chr14-36683852-G-A. GRCh37 (hg19) VCF-style: chr14-37153057-G-A.
Other names: c.814C>T, p.Pro272Ser (NM_001171170.2); short protein forms P272S.
Identifiers: ClinVar variation 2221519 (VCV002221519.4), dbSNP rs149535012, ClinGen allele CA258897396.